The following is an entry in ClinVar:

ClinVar aggregate classification (germline): Benign/Likely benign. Review status: criteria provided, multiple submitters, no conflicts (2 of 4 stars). 4 submissions from 4 submitters: Benign (2); Likely benign (2). Last evaluated 2021-06-09.

Conditions:
Spermatogenic failure 7. Also called: MALE INFERTILITY, NONSYNDROMIC, AUTOSOMAL RECESSIVE. Identifiers: Orphanet 276234, MedGen C2751811, MONDO:0013070, OMIM 612997.

Allele frequency attached by ClinVar (database versions not stated): gnomAD exomes 0.00725 and 0.00289; gnomAD 0.02754 and 0.02573; 1000 Genomes Project 30x 0.03701; ExAC 0.00874; TOPMed 0.02883; 1000 Genomes Project 0.03235; ESP Exome Variant Server 0.03302.
gnomAD v4.1: 8,333 of 1,614,100 alleles (0.52%); highest among the groups gnomAD compares: African/African-American, 9.1%; 344 homozygotes.

Submissions (4):

GeneDx
Classification: Benign. Last evaluated: 2021-06-09. Review status: criteria provided, single submitter. Criteria: GeneDx Variant Classification Process June 2021. Collection method: clinical testing. Allele origin: germline. Affected: yes.

Labcorp Genetics (formerly Invitae), Labcorp
Classification: Benign. Last evaluated: 2019-12-31. Review status: criteria provided, single submitter. Criteria: Invitae Variant Classification Sherloc (09022015). Collection method: clinical testing. Allele origin: germline.

Illumina Laboratory Services, Illumina
Classification: Likely benign for Spermatogenic failure 7. Last evaluated: 2018-01-12. Review status: criteria provided, single submitter. Criteria: ICSL Variant Classification Criteria 13 December 2019. Collection method: clinical testing. Allele origin: germline.
Comment: This variant was observed in the ICSL laboratory as part of a predisposition screen in an ostensibly healthy population. It had not been previously curated by ICSL or reported in the Human Gene Mutation Database (HGMD: prior to June 1st, 2018), and was therefore a candidate for classification through an automated scoring system. Utilizing variant allele frequency, disease prevalence and penetrance estimates, and inheritance mode, an automated score was calculated to assess if this variant is too frequent to cause the disease. Based on the score and internal cut-off values, a variant classified as likely benign is not then subjected to further curation. The score for this variant resulted in a classification of likely benign for this disease.

Breakthrough Genomics
Classification: Likely benign. Review status: criteria provided, single submitter. Criteria: ACMG Guidelines, 2015. Collection method: not provided. Allele origin: germline. Inheritance: Autosomal recessive inheritance. Affected: yes.

NM_053054.4(CATSPER1):c.1467C>T (p.Cys489=)

Gene: CATSPER1 (cation channel sperm associated 1; minus strand). Cytogenetic location: 11q13.1.
Variant type: single nucleotide variant.
Coding change: c.1467C>T on transcript NM_053054.4 (MANE Select); coding-DNA position 1467, C replaced by T.
Protein change: p.Cys489=; no amino-acid change (cysteine 489 retained).
Molecular consequence: synonymous variant.
Genome position (GRCh38, 1-based): chr11:66,021,842, G>A on the plus strand (C>T on the coding strand, the complement: CATSPER1 is on the minus strand). VCF-style: chr11-66021842-G-A. GRCh37 (hg19) VCF-style: chr11-65789313-G-A.
Identifiers: ClinVar variation 305429 (VCV000305429.12), dbSNP rs75366838, ClinGen allele CA6114671.